The following is an entry in ClinVar:

ClinVar aggregate classification (germline): Uncertain significance (1 of 4 stars; one submission).

Allele frequency attached by ClinVar (database versions not stated): gnomAD 0.00001; ExAC 0.00002; TOPMed 0.00002; gnomAD exomes 0.00004.
gnomAD v4.1: 18 of 1,614,040 alleles (0.0011%); highest among the groups gnomAD compares: East Asian, 0.038%; no homozygotes.

Submission:

Labcorp Genetics (formerly Invitae), Labcorp
Classification: Uncertain significance. Last evaluated: 2022-11-08. Review status: criteria provided, single submitter. Criteria: Invitae Variant Classification Sherloc (09022015). Collection method: clinical testing. Allele origin: germline.
Comment: In summary, the available evidence is currently insufficient to determine the role of this variant in disease. Therefore, it has been classified as a Variant of Uncertain Significance. Algorithms developed to predict the effect of missense changes on protein structure and function (SIFT, PolyPhen-2, Align-GVGD) all suggest that this variant is likely to be tolerated. ClinVar contains an entry for this variant (Variation ID: 1373498). This variant has not been reported in the literature in individuals affected with SIRT1-related conditions. This variant is present in population databases (rs774376548, gnomAD 0.06%). This sequence change replaces arginine, which is basic and polar, with threonine, which is neutral and polar, at codon 711 of the SIRT1 protein (p.Arg711Thr).

NM_012238.5(SIRT1):c.2132G>C (p.Arg711Thr)

Gene: SIRT1 (sirtuin 1; plus strand). Cytogenetic location: 10q21.3.
Variant type: single nucleotide variant.
Coding change: c.2132G>C on transcript NM_012238.5 (MANE Select); coding-DNA position 2132, G replaced by C.
Protein change: p.Arg711Thr; replaces arginine 711 with threonine.
Molecular consequence: missense variant.
Genome position (GRCh38, 1-based): chr10:67,916,481, G>C. VCF-style: chr10-67916481-G-C. GRCh37 (hg19) VCF-style: chr10-69676238-G-C.
Other names: c.1247G>C, p.Arg416Thr (NM_001142498.2); c.1223G>C, p.Arg408Thr (NM_001314049.2); short protein forms R408T, R711T, R416T.
Identifiers: ClinVar variation 1373498 (VCV001373498.8), dbSNP rs774376548, ClinGen allele CA5521414.